The following is an entry in ClinVar:

ClinVar aggregate classification (germline): Likely pathogenic (1 of 4 stars; one submission).

Submission:

ARUP Laboratories, Molecular Genetics and Genomics, ARUP Laboratories
Classification: Likely pathogenic. Last evaluated: 2025-07-02. Review status: criteria provided, single submitter. Criteria: ARUP Molecular Germline Variant Investigation Process 2024. Collection method: clinical testing. Allele origin: germline.
Comment: The FBN1 c.4162del; p.Arg1388AlafsTer25 variant, to our knowledge, is not reported in the medical literature or gene specific databases. This variant is also absent from the Genome Aggregation Database (v2.1.1), indicating it is not a common polymorphism. This variant causes a frameshift by deleting a single nucleotide, so it is predicted to result in a truncated protein or mRNA subject to nonsense-mediated decay. Based on available information, this variant is considered to be likely pathogenic.

NM_000138.5(FBN1):c.4162del (p.Arg1388fs)

Gene: FBN1 (fibrillin 1; minus strand). Cytogenetic location: 15q21.1.
Variant type: Deletion.
Coding change: c.4162del on transcript NM_000138.5 (MANE Select); coding-DNA position 4162, one base deleted (C; older notation c.4162delC).
Protein change: p.Arg1388fs; shifts the reading frame from arginine 1388.
Molecular consequence: frameshift variant.
Genome position (GRCh38, 1-based): chr15:48,474,303, G deleted on the plus strand (C on the coding strand, the reverse complement: FBN1 is on the minus strand); the first of 2 consecutive G bases (chr15:48,474,303-48,474,304); deleting either gives the same sequence. VCF-style (leftmost placement, unchanged base first): chr15-48474302-CG-C. GRCh37 (hg19) VCF-style: chr15-48766499-CG-C.
Other names: c.4162del, p.Arg1388fs (NM_001406716.1); short protein forms R1388fs.
Identifiers: ClinVar variation 4685935 (VCV004685935.1).